The following is an entry in ClinVar:

NM_003119.4(SPG7):c.1324+4124A>G

Gene: SPG7 (SPG7 matrix AAA peptidase subunit, paraplegin; plus strand). Cytogenetic location: 16q24.3.
Variant type: single nucleotide variant.
Coding change: c.1324+4124A>G on transcript NM_003119.4 (MANE Select); 4124 bases into the intron after coding-DNA position 1324, A replaced by G.
Molecular consequence: intron variant.
Genome position (GRCh38, 1-based): chr16:89,536,760, A>G. VCF-style: chr16-89536760-A-G. GRCh37 (hg19) VCF-style: chr16-89603168-A-G.
Other names: c.1324+4124A>G (NM_001363850.1); c.1325-5A>G (NM_199367.3).
Identifiers: ClinVar variation 4989972 (VCV004989972.1).

ClinVar aggregate classification (germline): Uncertain significance (1 of 4 stars; one submission).

Conditions:
SPG7-related disorder. Also called: SPG7-related condition.

gnomAD v4.1: 287 of 1,613,878 alleles (0.018%); highest among the groups gnomAD compares: Non-Finnish European, 0.024%; no homozygotes.

Submission:

PreventionGenetics, part of Exact Sciences
Classification: Uncertain significance for SPG7-related condition. Last evaluated: 2025-02-09. Review status: criteria provided, single submitter. Criteria: ACMG Guidelines, 2015. Collection method: clinical testing. Allele origin: germline.
Comment: The SPG7 c.1325-5A>G variant is predicted to interfere with splicing. To our knowledge, this variant has not been reported in the literature. This variant is reported in 0.0044% of alleles in individuals of European (non-Finnish) descent in gnomAD. At this time, the clinical significance of this variant is uncertain due to the absence of conclusive functional and genetic evidence.